The following is an entry in ClinVar:

ClinVar aggregate classification (germline): Uncertain significance (1 of 4 stars; one submission).

Allele frequency attached by ClinVar (database versions not stated): gnomAD exomes below 0.00001; TOPMed below 0.00001; ExAC 0.00001.
gnomAD v4.1: 4 of 1,614,202 alleles (0.00025%); highest among the groups gnomAD compares: South Asian, 0.0011%; no homozygotes.

Submission:

Labcorp Genetics (formerly Invitae), Labcorp
Classification: Uncertain significance. Last evaluated: 2023-12-15. Review status: criteria provided, single submitter. Criteria: Invitae Variant Classification Sherloc (09022015). Collection method: clinical testing. Allele origin: germline.
Comment: This sequence change replaces arginine, which is basic and polar, with histidine, which is basic and polar, at codon 850 of the MCM2 protein (p.Arg850His). This variant is present in population databases (rs770365114, gnomAD 0.003%). This variant has not been reported in the literature in individuals affected with MCM2-related conditions. Advanced modeling of protein sequence and biophysical properties (such as structural, functional, and spatial information, amino acid conservation, physicochemical variation, residue mobility, and thermodynamic stability) performed at Invitae indicates that this missense variant is not expected to disrupt MCM2 protein function with a negative predictive value of 80%. In summary, the available evidence is currently insufficient to determine the role of this variant in disease. Therefore, it has been classified as a Variant of Uncertain Significance.

NM_004526.4(MCM2):c.2549G>A (p.Arg850His)

Genes: MCM2 (minichromosome maintenance complex component 2; plus strand), LOC107986126 (uncharacterized LOC107986126; minus strand). Cytogenetic location: 3q21.3.
Variant type: single nucleotide variant.
Coding change: c.2549G>A on transcript NM_004526.4 (MANE Select); coding-DNA position 2549, G replaced by A.
Protein change: p.Arg850His; replaces arginine 850 with histidine.
Molecular consequence: missense variant. On other transcripts: non-coding transcript variant (1).
Genome position (GRCh38, 1-based): chr3:127,621,173, G>A. VCF-style: chr3-127621173-G-A. GRCh37 (hg19) VCF-style: chr3-127340016-G-A.
Other names: short protein forms R850H.
Identifiers: ClinVar variation 2809494 (VCV002809494.3), dbSNP rs770365114, ClinGen allele CA2596284.